The following is an entry in ClinVar:

ClinVar aggregate classification (germline): Uncertain significance (1 of 4 stars; one submission).

Conditions:
DiGeorge syndrome. Also called: THIRD AND FOURTH PHARYNGEAL POUCH SYNDROME; Catch22. Identifiers: Orphanet 567, MedGen C0012236, MONDO:0008564, OMIM 188400.

Submission:

Labcorp Genetics (formerly Invitae), Labcorp
Classification: Uncertain significance for DiGeorge syndrome. Last evaluated: 2026-01-22. Review status: criteria provided, single submitter. Criteria: Invitae Variant Classification Sherloc (09022015). Collection method: clinical testing. Allele origin: germline.
Comment: This sequence change replaces alanine, which is neutral and non-polar, with glycine, which is neutral and non-polar, at codon 466 of the TBX1 protein (p.Ala466Gly). This variant is not present in population databases (gnomAD no frequency). This variant has not been reported in the literature in individuals affected with TBX1-related conditions. An algorithm developed to predict the effect of missense changes on protein structure and function (PolyPhen-2) suggests that this variant is likely to be tolerated. In summary, the available evidence is currently insufficient to determine the role of this variant in disease. Therefore, it has been classified as a Variant of Uncertain Significance.

NM_001379200.1(TBX1):c.1424C>G (p.Ala475Gly)

Gene: TBX1 (T-box transcription factor 1; plus strand). Cytogenetic location: 22q11.21.
Variant type: single nucleotide variant.
Coding change: c.1424C>G on transcript NM_001379200.1 (MANE Select); coding-DNA position 1424, C replaced by G.
Protein change: p.Ala475Gly; replaces alanine 475 with glycine.
Molecular consequence: missense variant. On other transcripts: intron variant (2).
Genome position (GRCh38, 1-based): chr22:19,766,776, C>G. VCF-style: chr22-19766776-C-G. GRCh37 (hg19) VCF-style: chr22-19754299-C-G.
Other names: c.1397C>G, p.Ala466Gly (NM_080647.1); c.1009+774C>G (NM_005992.1, NM_080646.2); short protein forms A466G, A475G.
Identifiers: ClinVar variation 4735995 (VCV004735995.1).